The following is an entry in ClinVar:

NM_020247.5(COQ8A):c.730G>C (p.Gly244Arg)

Gene: COQ8A (coenzyme Q8A; plus strand). Cytogenetic location: 1q42.13.
Variant type: single nucleotide variant.
Coding change: c.730G>C on transcript NM_020247.5 (MANE Select); coding-DNA position 730, G replaced by C.
Protein change: p.Gly244Arg; replaces glycine 244 with arginine.
Molecular consequence: missense variant.
Genome position (GRCh38, 1-based): chr1:226,977,523, G>C. VCF-style: chr1-226977523-G-C. GRCh37 (hg19) VCF-style: chr1-227165224-G-C.
Other names: short protein forms G244R.
Identifiers: ClinVar variation 439390 (VCV000439390.57), dbSNP rs199619932, ClinGen allele CA1425111.

ClinVar aggregate classification (germline): Conflicting classifications of pathogenicity. Review status: criteria provided, conflicting classifications (1 of 4 stars). 7 submissions from 7 submitters: Uncertain significance (6); Likely benign (1). Last evaluated 2026-04-01.

Conditions:
Inborn genetic diseases. Identifiers: MedGen C0950123, MeSH D030342.
Autosomal recessive ataxia due to ubiquinone deficiency. Also called: SPINOCEREBELLAR ATAXIA, AUTOSOMAL RECESSIVE 9; Coenzyme Q10 deficiency, primary, 4. Identifiers: Orphanet 139485, MedGen C2677589, MONDO:0012784, OMIM 612016.

Allele frequency attached by ClinVar (database versions not stated): ExAC 0.00011; ESP Exome Variant Server 0.00031; gnomAD 0.00046 and 0.00048; TOPMed 0.00047.

Submissions (8):

CeGaT Center for Human Genetics Tuebingen
Classification: Likely benign. Last evaluated: 2026-04-01. Review status: criteria provided, single submitter. Criteria: CeGaT Center For Human Genetics Tuebingen Variant Classification Criteria Version 2. Collection method: clinical testing. Allele origin: germline. Affected: yes. Observed: 5 variant alleles.
Comment: COQ8A: BS2

Labcorp Genetics (formerly Invitae), Labcorp
Classification: Uncertain significance. Last evaluated: 2025-01-28. Review status: criteria provided, single submitter. Criteria: Invitae Variant Classification Sherloc (09022015). Collection method: clinical testing. Allele origin: germline.
Comment: This sequence change replaces glycine, which is neutral and non-polar, with arginine, which is basic and polar, at codon 244 of the COQ8A protein (p.Gly244Arg). This variant also falls at the last nucleotide of exon 5, which is part of the consensus splice site for this exon. This variant is present in population databases (rs199619932, gnomAD 0.09%). This variant has not been reported in the literature in individuals affected with COQ8A-related conditions. ClinVar contains an entry for this variant (Variation ID: 439390). An algorithm developed to predict the effect of missense changes on protein structure and function (PolyPhen-2) suggests that this variant is likely to be disruptive. Variants that disrupt the consensus splice site are a relatively common cause of aberrant splicing (PMID: 17576681, 9536098). In summary, the available evidence is currently insufficient to determine the role of this variant in disease. Therefore, it has been classified as a Variant of Uncertain Significance.

Blueprint Genetics
Classification: Uncertain significance. Last evaluated: 2024-11-06. Review status: criteria provided, single submitter. Criteria: ACMG Guidelines, 2015. Collection method: clinical testing. Allele origin: germline.

Ambry Genetics
Classification: Uncertain significance for Inborn genetic diseases. Last evaluated: 2024-09-26. Review status: criteria provided, single submitter. Criteria: Ambry Variant Classification Scheme 2023. Collection method: clinical testing. Allele origin: germline.
Comment: The c.730G>C (p.G244R) alteration is located in exon 5 (coding exon 4) of the COQ8A gene. This alteration results from a G to C substitution at nucleotide position 730, causing the glycine (G) at amino acid position 244 to be replaced by an arginine (R). Based on data from gnomAD, the C allele has an overall frequency of 0.04% (80/189108) total alleles studied. The highest observed frequency was 0.09% (68/75612) of European (non-Finnish) alleles. This nucleotide position is highly conserved in available vertebrate species. In silico splice site analysis for this alteration is inconclusive. Based on insufficient or conflicting evidence, the clinical significance of this alteration remains unclear.

Athena Diagnostics
Classification: Uncertain significance. Last evaluated: 2024-03-24. Review status: criteria provided, single submitter. Criteria: Athena Diagnostics Criteria. Collection method: clinical testing. Allele origin: unknown.
Comment: Available data are insufficient to determine the clinical significance of the variant at this time. The frequency of this variant in the general population is higher than would generally be expected for pathogenic variants in this gene. Computational tools yielded predictions that this variant may interfere with normal RNA splicing.

ARUP Laboratories, Molecular Genetics and Genomics, ARUP Laboratories
Classification: Uncertain significance for Autosomal recessive ataxia due to ubiquinone deficiency. Last evaluated: 2021-08-20. Review status: criteria provided, single submitter. Criteria: ARUP Molecular Germline Variant Investigation Process 2021. Collection method: clinical testing. Allele origin: germline.
Comment: The p.Gly244Arg variant (rs199619932) has not been reported in the medical literature, is not listed in gene-specific variant databases, nor has it been previously identified in our laboratory. It is listed in the Genome Aggregation Database (gnomAD) browser with a frequency in non-Finnish European populations of 0.086% (identified in 62 out of 72,122 chromosomes). The glycine at codon 244 is highly conserved considering 13 species up to C. elegans (Alamut software v2.9), although computational analyses return mixed results regarding the effect of this variant on COQ8A protein structure/function (SIFT: tolerated, PolyPhen2: benign, and Mutation Taster: disease causing). Additionally, this variant affects the last nucleotide of exon 5, and is computationally predicted to alter splicing at this junction (Alamut software v2.9). However, in the absence of mRNA studies, such predictions are not sufficient to assign pathogenicity. Therefore, based on the available information, the clinical significance of the p.Gly244Arg variant cannot be determined with certainty.

Genetic Services Laboratory, University of Chicago
Classification: Uncertain significance. Last evaluated: 2017-09-27. Review status: criteria provided, single submitter. Criteria: ACMG Guidelines, 2015. Collection method: clinical testing. Allele origin: germline. Affected: no.

Dr. Peter K. Rogan Lab, Western University
No classification provided (evidence only). Condition: Malignant tumor of esophagus. Review status: no classification provided. Collection method: in vitro. Allele origin: not applicable. Functional consequence: skipped exon, retained intron. Not counted in ClinVar's aggregate classification.

Literature cited by the submitters: PubMed 17576681 (cited by Labcorp Genetics (formerly Invitae), Labcorp); PubMed 9536098 (cited by Labcorp Genetics (formerly Invitae), Labcorp); PubMed 30850373 (cited by Athena Diagnostics); PubMed 32771712 (cited by Athena Diagnostics).